The following is an entry in ClinVar:

ClinVar aggregate classification (germline): Uncertain significance (1 of 4 stars; one submission).

Submission:

GeneDx
Classification: Uncertain significance. Last evaluated: 2026-03-02. Review status: criteria provided, single submitter. Criteria: GeneDx Variant Classification Process June 2021. Collection method: clinical testing. Allele origin: germline.
Comment: Not observed at significant frequency in large population cohorts (gnomAD); In silico analysis suggests that this missense variant does not alter protein structure/function; Has not been previously published as pathogenic or benign to our knowledge

NM_013275.6(ANKRD11):c.7205C>G (p.Thr2402Arg)

Gene: ANKRD11 (ankyrin repeat domain 11; minus strand). Cytogenetic location: 16q24.3.
Variant type: single nucleotide variant.
Coding change: c.7205C>G on transcript NM_013275.6 (MANE Select); coding-DNA position 7205, C replaced by G.
Protein change: p.Thr2402Arg; replaces threonine 2402 with arginine.
Molecular consequence: missense variant.
Genome position (GRCh38, 1-based): chr16:89,279,337, G>C on the plus strand (C>G on the coding strand, the complement: ANKRD11 is on the minus strand). VCF-style: chr16-89279337-G-C. GRCh37 (hg19) VCF-style: chr16-89345745-G-C.
Other names: c.7205C>G, p.Thr2402Arg (NM_001256182.2, NM_001256183.2); short protein forms T2402R.
Identifiers: ClinVar variation 4888153 (VCV004888153.1).